The following is an entry in ClinVar:

ClinVar aggregate classification (germline): Likely benign. Review status: criteria provided, multiple submitters, no conflicts (2 of 4 stars). 4 submissions from 4 submitters: Likely benign (3). 1 of the submissions does not count toward it. Last evaluated 2026-01-06.

Conditions:
FANCA-related disorder. Also called: FANCA-related condition.
Inborn genetic diseases. Identifiers: MedGen C0950123, MeSH D030342.
Fanconi anemia (FA). Also called: Fanconi's anemia. Identifiers: Orphanet 84, MedGen C0015625, MeSH D005199, MONDO:0019391.

Allele frequency attached by ClinVar (database versions not stated): gnomAD exomes 0.00001; TOPMed 0.00002; ESP Exome Variant Server 0.00008; gnomAD 0.00010.
gnomAD v4.1: 12 of 1,613,950 alleles (0.00074%); highest among the groups gnomAD compares: African/African-American, 0.012%; no homozygotes.

Submissions (4):

Labcorp Genetics (formerly Invitae), Labcorp
Classification: Likely benign for Fanconi anemia. Last evaluated: 2026-01-06. Review status: criteria provided, single submitter. Criteria: Invitae Variant Classification Sherloc (09022015). Collection method: clinical testing. Allele origin: germline.

Ambry Genetics
Classification: Likely benign for Inborn genetic diseases. Last evaluated: 2024-12-25. Review status: criteria provided, single submitter. Criteria: Ambry Variant Classification Scheme 2023. Collection method: clinical testing. Allele origin: germline.

Blueprint Genetics
Classification: Likely benign. Last evaluated: 2022-07-11. Review status: criteria provided, single submitter. Criteria: ACMG Guidelines, 2015. Collection method: clinical testing. Allele origin: germline.

PreventionGenetics, part of Exact Sciences
Classification: Likely benign for FANCA-related condition. Last evaluated: 2020-09-17. Review status: no assertion criteria provided. Collection method: clinical testing. Allele origin: germline. Not counted in ClinVar's aggregate classification.
Comment: This variant is classified as likely benign based on ACMG/AMP sequence variant interpretation guidelines (Richards et al. 2015 PMID: 25741868, with internal and published modifications).

NM_000135.4(FANCA):c.924C>T (p.Gly308=)

Gene: FANCA (FA complementation group A; minus strand). Cytogenetic location: 16q24.3.
Variant type: single nucleotide variant.
Coding change: c.924C>T on transcript NM_000135.4 (MANE Select); coding-DNA position 924, C replaced by T.
Protein change: p.Gly308=; no amino-acid change (glycine 308 retained).
Molecular consequence: synonymous variant.
Genome position (GRCh38, 1-based): chr16:89,795,988, G>A on the plus strand (C>T on the coding strand, the complement: FANCA is on the minus strand). VCF-style: chr16-89795988-G-A. GRCh37 (hg19) VCF-style: chr16-89862396-G-A.
Other names: c.924C>T (LRG_495t1); c.924C>T, p.Gly308= (NM_001286167.3).
Identifiers: ClinVar variation 456142 (VCV000456142.14), dbSNP rs143255238, ClinGen allele CA8252625.